The following is an entry in ClinVar:

NM_001376.5(DYNC1H1):c.13795G>A (p.Glu4599Lys)

Gene: DYNC1H1 (dynein cytoplasmic 1 heavy chain 1; plus strand). Cytogenetic location: 14q32.31.
Variant type: single nucleotide variant.
Coding change: c.13795G>A on transcript NM_001376.5 (MANE Select); coding-DNA position 13795, G replaced by A.
Protein change: p.Glu4599Lys; replaces glutamic acid 4599 with lysine.
Molecular consequence: missense variant.
Genome position (GRCh38, 1-based): chr14:102,050,181, G>A. VCF-style: chr14-102050181-G-A. GRCh37 (hg19) VCF-style: chr14-102516518-G-A.
Other names: short protein forms E4599K.
Identifiers: ClinVar variation 657774 (VCV000657774.11), dbSNP rs753454594, ClinGen allele CA7354357.

ClinVar aggregate classification (germline): Conflicting classifications of pathogenicity. Review status: criteria provided, conflicting classifications (1 of 4 stars). 4 submissions from 4 submitters: Uncertain significance (1); Likely benign (2). 1 of the submissions does not count toward it. Last evaluated 2026-07-19.

Conditions:
Charcot-Marie-Tooth disease axonal type 2O. Also called: CHARCOT-MARIE-TOOTH NEUROPATHY, AXONAL, TYPE 2O; CHARCOT-MARIE-TOOTH DISEASE, AXONAL, AUTOSOMAL DOMINANT, TYPE 2O; Charcot-Marie-Tooth Neuropathy Type 2O; Charcot-Marie-Tooth disease, axonal, type 20. Identifiers: Orphanet 284232, MedGen C3280220, MONDO:0013644, OMIM 614228.
Charcot-Marie-Tooth disease. Also called: Charcot-Marie-Tooth Hereditary Neuropathy; Charcot-Marie-Tooth Neuropathy. Identifiers: Orphanet 166, MedGen C0007959, MONDO:0015626.
DYNC1H1-related disorder. Also called: DYNC1H1-related condition; DYNC1H1-related disorders. Identifiers: MedGen CN381529.

Allele frequency attached by ClinVar (database versions not stated): ExAC 0.00001; gnomAD 0.00001; gnomAD exomes 0.00001.

Submissions (4):

PreventionGenetics, part of Exact Sciences
Classification: Uncertain significance for DYNC1H1-related condition. Last evaluated: 2026-07-19. Review status: criteria provided, single submitter. Criteria: ACMG Guidelines, 2015. Collection method: clinical testing. Allele origin: germline.
Comment: The DYNC1H1 c.13795G>A variant is predicted to result in the amino acid substitution p.Glu4599Lys. To our knowledge, this variant has not been reported in the literature. This variant is reported in 0.0029% of alleles in individuals of Latino descent in gnomAD. At this time, the clinical significance of this variant is uncertain due to the absence of conclusive functional and genetic evidence.

Labcorp Genetics (formerly Invitae), Labcorp
Classification: Likely benign for Charcot-Marie-Tooth disease axonal type 2O. Last evaluated: 2025-04-23. Review status: criteria provided, single submitter. Criteria: Invitae Variant Classification Sherloc (09022015). Collection method: clinical testing. Allele origin: germline.

GeneDx
Classification: Likely benign. Last evaluated: 2023-11-07. Review status: criteria provided, single submitter. Criteria: GeneDx Variant Classification Process June 2021. Collection method: clinical testing. Allele origin: germline. Affected: yes.
Comment: See Variant Classification Assertion Criteria.

Genesis Genome Database
Classification: Uncertain significance for Charcot-Marie-Tooth disease. Last evaluated: 2019-08-14. Review status: no assertion criteria provided. Collection method: research. Allele origin: germline. Affected: yes. Not counted in ClinVar's aggregate classification.